The following is an entry in ClinVar:

ClinVar aggregate classification (germline): Uncertain significance. Review status: criteria provided, multiple submitters, no conflicts (2 of 4 stars). 3 submissions from 3 submitters: Uncertain significance (3). Last evaluated 2025-11-16.

Conditions:
OTULIN-related disorder. Also called: OTULIN-related condition.

Allele frequency attached by ClinVar (database versions not stated): gnomAD exomes 0.00004; gnomAD 0.00014; TOPMed 0.00021.

Submissions (3):

Labcorp Genetics (formerly Invitae), Labcorp
Classification: Uncertain significance. Last evaluated: 2025-11-16. Review status: criteria provided, single submitter. Criteria: Invitae Variant Classification Sherloc (09022015). Collection method: clinical testing. Allele origin: germline.
Comment: This sequence change replaces glycine, which is neutral and non-polar, with aspartic acid, which is acidic and polar, at codon 14 of the OTULIN protein (p.Gly14Asp). The frequency data for this variant in the population databases is considered unreliable, as metrics indicate poor data quality at this position in the gnomAD database. This variant has not been reported in the literature in individuals affected with OTULIN-related conditions. ClinVar contains an entry for this variant (Variation ID: 1352481). An algorithm developed to predict the effect of missense changes on protein structure and function (PolyPhen-2) suggests that this variant is likely to be disruptive. In summary, the available evidence is currently insufficient to determine the role of this variant in disease. Therefore, it has been classified as a Variant of Uncertain Significance.

PreventionGenetics, part of Exact Sciences
Classification: Uncertain significance for OTULIN-related condition. Last evaluated: 2025-03-03. Review status: criteria provided, single submitter. Criteria: ACMG Guidelines, 2015. Collection method: clinical testing. Allele origin: germline.
Comment: The OTULIN c.41G>A variant is predicted to result in the amino acid substitution p.Gly14Asp. To our knowledge, this variant has not been reported in the literature. This variant is reported in 0.0066% of alleles in individuals of European (Non-Finnish) descent in gnomAD. At this time, the clinical significance of this variant is uncertain due to the absence of conclusive functional and genetic evidence.

Ambry Genetics
Classification: Uncertain significance. Last evaluated: 2021-10-06. Review status: criteria provided, single submitter. Criteria: Ambry Variant Classification Scheme 2023. Collection method: clinical testing. Allele origin: germline.

NM_138348.6(OTULIN):c.41G>A (p.Gly14Asp)

Gene: OTULIN (OTU deubiquitinase with linear linkage specificity; plus strand). Cytogenetic location: 5p15.2.
Variant type: single nucleotide variant.
Coding change: c.41G>A on transcript NM_138348.6 (MANE Select); coding-DNA position 41, G replaced by A.
Protein change: p.Gly14Asp; replaces glycine 14 with aspartic acid.
Molecular consequence: missense variant.
Genome position (GRCh38, 1-based): chr5:14,664,866, G>A. VCF-style: chr5-14664866-G-A. GRCh37 (hg19) VCF-style: chr5-14664975-G-A.
Other names: c.41G>A (NM_138348.5, NM_138348.4); short protein forms G14D.
Identifiers: ClinVar variation 1352481 (VCV001352481.6), dbSNP rs996277843, ClinGen allele CA114003888.